The following is an entry in ClinVar:

ClinVar aggregate classification (germline): Uncertain significance (1 of 4 stars; one submission).

Allele frequency attached by ClinVar (database versions not stated): TOPMed 0.00002; gnomAD exomes below 0.00001; gnomAD 0.00001.
gnomAD v4.1: 3 of 1,612,854 alleles (0.00019%); highest among the groups gnomAD compares: Non-Finnish European, 0.00025%; no homozygotes.

Submission:

Labcorp Genetics (formerly Invitae), Labcorp
Classification: Uncertain significance. Last evaluated: 2022-03-20. Review status: criteria provided, single submitter. Criteria: Invitae Variant Classification Sherloc (09022015). Collection method: clinical testing. Allele origin: germline.
Comment: This sequence change replaces tryptophan, which is neutral and slightly polar, with cysteine, which is neutral and slightly polar, at codon 358 of the LCA5 protein (p.Trp358Cys). This variant is present in population databases (no rsID available, gnomAD 0.0009%). This variant has not been reported in the literature in individuals affected with LCA5-related conditions. ClinVar contains an entry for this variant (Variation ID: 1022005). Algorithms developed to predict the effect of missense changes on protein structure and function are either unavailable or do not agree on the potential impact of this missense change (SIFT: "Deleterious"; PolyPhen-2: "Possibly Damaging"; Align-GVGD: "Class C0"). In summary, the available evidence is currently insufficient to determine the role of this variant in disease. Therefore, it has been classified as a Variant of Uncertain Significance.

NM_001122769.3(LCA5):c.1074G>C (p.Trp358Cys)

Gene: LCA5 (lebercilin LCA5; minus strand). Cytogenetic location: 6q14.1.
Variant type: single nucleotide variant.
Coding change: c.1074G>C on transcript NM_001122769.3 (MANE Select); coding-DNA position 1074, G replaced by C.
Protein change: p.Trp358Cys; replaces tryptophan 358 with cysteine.
Molecular consequence: missense variant.
Genome position (GRCh38, 1-based): chr6:79,491,612, C>G on the plus strand (G>C on the coding strand, the complement: LCA5 is on the minus strand). VCF-style: chr6-79491612-C-G. GRCh37 (hg19) VCF-style: chr6-80201329-C-G.
Other names: c.1074G>C, p.Trp358Cys (NM_181714.4); short protein forms W358C.
Identifiers: ClinVar variation 1022005 (VCV001022005.6), dbSNP rs1474681070, ClinGen allele CA364643719.